The following is an entry in ClinVar:

ClinVar aggregate classification (germline): Uncertain significance (1 of 4 stars; one submission).

Conditions:
Ornithine carbamoyltransferase deficiency (OTCD). Also called: ORNITHINE TRANSCARBAMYLASE DEFICIENCY; ORNITHINE TRANSCARBAMYLASE DEFICIENCY, HYPERAMMONEMIA DUE TO; Ornithine Carbamoyltransferase Deficiency Disease; OTC DEFICIENCY. Identifiers: Orphanet 664, MedGen C0268542, MONDO:0010703, OMIM 311250.

Submission:

Labcorp Genetics (formerly Invitae), Labcorp
Classification: Uncertain significance for Ornithine carbamoyltransferase deficiency. Last evaluated: 2024-07-08. Review status: criteria provided, single submitter. Criteria: Invitae Variant Classification Sherloc (09022015). Collection method: clinical testing. Allele origin: germline.
Comment: This sequence change replaces lysine, which is basic and polar, with threonine, which is neutral and polar, at codon 64 of the OTC protein (p.Lys64Thr). This variant is not present in population databases (gnomAD no frequency). This variant has not been reported in the literature in individuals affected with OTC-related conditions. Advanced modeling of protein sequence and biophysical properties (such as structural, functional, and spatial information, amino acid conservation, physicochemical variation, residue mobility, and thermodynamic stability) performed at Invitae indicates that this missense variant is expected to disrupt OTC protein function with a positive predictive value of 95%. In summary, the available evidence is currently insufficient to determine the role of this variant in disease. Therefore, it has been classified as a Variant of Uncertain Significance.

NM_000531.6(OTC):c.191A>C (p.Lys64Thr)

Gene: OTC (ornithine transcarbamylase; plus strand). Cytogenetic location: Xp11.4.
Variant type: single nucleotide variant.
Coding change: c.191A>C on transcript NM_000531.6 (MANE Select); coding-DNA position 191, A replaced by C.
Protein change: p.Lys64Thr; replaces lysine 64 with threonine.
Molecular consequence: missense variant.
Genome position (GRCh38, 1-based): chrX:38,367,404, A>C. VCF-style: chrX-38367404-A-C. GRCh37 (hg19) VCF-style: chrX-38226657-A-C.
Other names: c.191A>C, p.Lys64Thr (NM_001407092.1); short protein forms K64T.
Identifiers: ClinVar variation 3634884 (VCV003634884.2).
Genomic context (GRCh38, chrX:38,367,404, plus strand): 5'-CTCTAAAAAACTTTACCGGAGAAGAAATTAAATATATGCTATGGCTATCAGCAGATCTGA[A>C]ATTTAGGATAAAACAGAAAGGAGAGGTATGTAACATTTTCTTTTTACGTTCCATTACTAC-3'
Protein context (NP_000522.3, residues 54-74): KYMLWLSADL[Lys64Thr]FRIKQKGEYL